The following is an entry in ClinVar:

NM_000059.4(BRCA2):c.8917C>A (p.Arg2973Ser)

Gene: BRCA2 (BRCA2 DNA repair associated; plus strand). Cytogenetic location: 13q13.1.
Variant type: single nucleotide variant.
Coding change: c.8917C>A on transcript NM_000059.4 (MANE Select); coding-DNA position 8917, C replaced by A.
Protein change: p.Arg2973Ser; replaces arginine 2973 with serine.
Molecular consequence: missense variant.
Genome position (GRCh38, 1-based): chr13:32,379,479, C>A. VCF-style: chr13-32379479-C-A. GRCh37 (hg19) VCF-style: chr13-32953616-C-A.
Other names: short protein forms R2973S.
Identifiers: ClinVar variation 925530 (VCV000925530.3), dbSNP rs45469092, ClinGen allele CA387757277.

ClinVar aggregate classification (germline): Uncertain significance (1 of 4 stars; one submission).

Conditions:
Hereditary cancer-predisposing syndrome. Also called: Neoplastic Syndromes, Hereditary; Tumor predisposition; Hereditary Cancer Syndrome; Hereditary neoplastic syndrome. Identifiers: Orphanet 140162, MedGen C0027672, MeSH D009386, MONDO:0015356.

Submission:

Color Diagnostics, LLC DBA Color Health
Classification: Uncertain significance for Hereditary cancer-predisposing syndrome. Last evaluated: 2019-09-10. Review status: criteria provided, single submitter. Criteria: ACMG Guidelines, 2015. Collection method: clinical testing. Allele origin: germline.
Comment: This missense variant replaces arginine with serine at codon 2973 of the BRCA2 protein. Computational prediction tools and conservation analyses are inconclusive regarding the impact of this variant on protein structure and function. Splice site prediction tools suggest that this variant may not impact RNA splicing. To our knowledge, functional studies have not been performed for this variant. This variant has not been reported in individuals affected with hereditary cancer in the literature. This variant has not been identified in the general population by the Genome Aggregation Database (gnomAD). The available evidence is insufficient to determine the role of this variant in disease conclusively. Therefore, this variant is classified as a Variant of Uncertain Significance.